The following is an entry in ClinVar:

ClinVar aggregate classification (germline): Uncertain significance (1 of 4 stars; one submission).

Allele frequency attached by ClinVar (database versions not stated): gnomAD exomes below 0.00001; ExAC 0.00001.

Submission:

GeneDx
Classification: Uncertain significance. Last evaluated: 2019-01-30. Review status: criteria provided, single submitter. Criteria: GeneDx Variant Classification Process June 2021. Collection method: clinical testing. Allele origin: germline. Affected: yes.
Comment: The majority of missense variants in this gene are considered pathogenic (Stenson et al., 2014); In silico analysis, which includes protein predictors and evolutionary conservation, supports that this variant does not alter protein structure/function; Has not been previously published as pathogenic or benign to our knowledge; Observed in 1/246186 (0.0004%) alleles from individuals of multiple ethnic backgrounds in large population cohorts (Lek et al., 2016)

NM_002880.4(RAF1):c.611G>T (p.Ser204Ile)

Gene: RAF1 (Raf-1 proto-oncogene, serine/threonine kinase; minus strand). Cytogenetic location: 3p25.2.
Variant type: single nucleotide variant.
Coding change: c.611G>T on transcript NM_002880.4 (MANE Select); coding-DNA position 611, G replaced by T.
Protein change: p.Ser204Ile; replaces serine 204 with isoleucine.
Molecular consequence: missense variant. On other transcripts: non-coding transcript variant (3), intron variant (2).
Genome position (GRCh38, 1-based): chr3:12,606,270, C>A on the plus strand (G>T on the coding strand, the complement: RAF1 is on the minus strand). VCF-style: chr3-12606270-C-A. GRCh37 (hg19) VCF-style: chr3-12647769-C-A.
Other names: c.368G>T, p.Ser123Ile (NM_001354694.3, NM_001354691.3, NM_001354692.3); c.339-1981G>T (NM_001354695.3); c.582-1981G>T (NM_001354693.3); c.611G>T, p.Ser204Ile (NM_001354689.3, NM_001354690.3); short protein forms S123I, S204I.
Identifiers: ClinVar variation 1179561 (VCV001179561.2), dbSNP rs756643623, ClinGen allele CA2259723.